The following is an entry in ClinVar:

NM_019032.6(ADAMTSL4):c.602del (p.Ala201fs)

Genes: ADAMTSL4 (ADAMTS like 4; plus strand), ADAMTSL4-AS2 (ADAMTSL4 antisense RNA 2; minus strand). Cytogenetic location: 1q21.2.
Variant type: Deletion.
Coding change: c.602del on transcript NM_019032.6 (MANE Select); coding-DNA position 602, one base deleted (C; older notation c.602delC).
Protein change: p.Ala201fs; shifts the reading frame from alanine 201.
Molecular consequence: frameshift variant.
Genome position (GRCh38, 1-based): chr1:150,553,593, C deleted. VCF-style (leftmost placement, unchanged base first): chr1-150553592-GC-G. GRCh37 (hg19) VCF-style: chr1-150526068-GC-G.
Other names: c.602del, p.Ala201fs (NM_001288607.2, NM_001288608.2, NM_001378596.1 and 1 more transcripts); short protein forms A201fs.
Identifiers: ClinVar variation 1899102 (VCV001899102.5), dbSNP rs760108906, ClinGen allele CA1077998.

ClinVar aggregate classification (germline): Pathogenic (1 of 4 stars; one submission).

Allele frequency attached by ClinVar (database versions not stated): gnomAD exomes below 0.00001; ExAC 0.00001.

Submission:

Labcorp Genetics (formerly Invitae), Labcorp
Classification: Pathogenic. Last evaluated: 2026-01-26. Review status: criteria provided, single submitter. Criteria: Invitae Variant Classification Sherloc (09022015). Collection method: clinical testing. Allele origin: germline.
Comment: This sequence change creates a premature translational stop signal (p.Ala201Glufs*31) in the ADAMTSL4 gene. It is expected to result in an absent or disrupted protein product. Loss-of-function variants in ADAMTSL4 are known to be pathogenic (PMID: 20564469, 28642162). This variant is present in population databases (rs760108906, gnomAD 0.006%). This variant has not been reported in the literature in individuals affected with ADAMTSL4-related conditions. ClinVar contains an entry for this variant (Variation ID: 1899102). For these reasons, this variant has been classified as Pathogenic.

Literature cited by the submitters: PubMed 20564469; PubMed 28642162.